The following is an entry in ClinVar:

ClinVar aggregate classification (germline): Uncertain significance (1 of 4 stars; one submission).

Conditions:
Sialuria. Also called: SIALURIA, FRENCH TYPE; Sialic Acid Storage Disease. Identifiers: Orphanet 3166, MedGen C0342853, MONDO:0010028, OMIM 269921.
GNE myopathy (NM). Also called: NONAKA DISTAL MYOPATHY; INCLUSION BODY MYOPATHY, HEREDITARY, AUTOSOMAL RECESSIVE; INCLUSION BODY MYOPATHY 2, AUTOSOMAL RECESSIVE; MYOPATHY, DISTAL, WITH OR WITHOUT RIMMED VACUOLES; IBM 2; Inclusion body myopathy autosomal recessive. Identifiers: Orphanet 602, MedGen C1853926, MONDO:0011603, OMIM 605820.

Submission:

Labcorp Genetics (formerly Invitae), Labcorp
Classification: Uncertain significance for Sialuria; GNE myopathy. Last evaluated: 2022-11-03. Review status: criteria provided, single submitter. Criteria: Invitae Variant Classification Sherloc (09022015). Collection method: clinical testing. Allele origin: germline.
Comment: In summary, the available evidence is currently insufficient to determine the role of this variant in disease. Therefore, it has been classified as a Variant of Uncertain Significance. Advanced modeling of protein sequence and biophysical properties (such as structural, functional, and spatial information, amino acid conservation, physicochemical variation, residue mobility, and thermodynamic stability) has been performed at Invitae for this missense variant, however the output from this modeling did not meet the statistical confidence thresholds required to predict the impact of this variant on GNE protein function. This variant has not been reported in the literature in individuals affected with GNE-related conditions. This variant is not present in population databases (gnomAD no frequency). This sequence change replaces tyrosine, which is neutral and polar, with phenylalanine, which is neutral and non-polar, at codon 392 of the GNE protein (p.Tyr392Phe).

NM_005476.7(GNE):c.1082A>T (p.Tyr361Phe)

Gene: GNE (glucosamine (UDP-N-acetyl)-2-epimerase/N-acetylmannosamine kinase; minus strand). Cytogenetic location: 9p13.3.
Variant type: single nucleotide variant.
Coding change: c.1082A>T on transcript NM_005476.7 (MANE Select); coding-DNA position 1082, A replaced by T.
Protein change: p.Tyr361Phe; replaces tyrosine 361 with phenylalanine.
Molecular consequence: missense variant.
Genome position (GRCh38, 1-based): chr9:36,227,447, T>A on the plus strand (A>T on the coding strand, the complement: GNE is on the minus strand). VCF-style: chr9-36227447-T-A. GRCh37 (hg19) VCF-style: chr9-36227444-T-A.
Other names: c.1175A>T, p.Tyr392Phe (NM_001128227.3); c.1082A>T, p.Tyr361Phe (NM_001190383.3); c.752A>T, p.Tyr251Phe (NM_001190384.3); c.905A>T, p.Tyr302Phe (NM_001190388.2, NM_001374798.1); c.929A>T, p.Tyr310Phe (NM_001374797.1); short protein forms Y302F, Y310F, Y251F, Y361F, Y392F.
Identifiers: ClinVar variation 2940895 (VCV002940895.3), dbSNP rs2489664770, ClinGen allele CA373429206.